The following is an entry in ClinVar:

ClinVar aggregate classification (germline): Uncertain significance (1 of 4 stars; one submission).

Conditions:
Inborn genetic diseases. Identifiers: MedGen C0950123, MeSH D030342.

Submission:

Ambry Genetics
Classification: Uncertain significance for Inborn genetic diseases. Last evaluated: 2025-07-17. Review status: criteria provided, single submitter. Criteria: Ambry Variant Classification Scheme 2023. Collection method: clinical testing. Allele origin: germline.
Comment: The p.A161S variant (also known as c.481G>T), located in coding exon 3 of the MBD4 gene, results from a G to T substitution at nucleotide position 481. The alanine at codon 161 is replaced by serine, an amino acid with similar properties. This amino acid position is conserved. In addition, this alteration is predicted to be tolerated by in silico analysis. Based on the available evidence, the clinical significance of this variant remains unclear.

NM_001276270.2(MBD4):c.481G>T (p.Ala161Ser)

Gene: MBD4 (methyl-CpG binding domain 4, DNA glycosylase; minus strand). Cytogenetic location: 3q21.3.
Variant type: single nucleotide variant.
Coding change: c.481G>T on transcript NM_001276270.2 (MANE Select); coding-DNA position 481, G replaced by T.
Protein change: p.Ala161Ser; replaces alanine 161 with serine.
Molecular consequence: missense variant. On other transcripts: intron variant (1).
Genome position (GRCh38, 1-based): chr3:129,437,163, C>A on the plus strand (G>T on the coding strand, the complement: MBD4 is on the minus strand). VCF-style: chr3-129437163-C-A. GRCh37 (hg19) VCF-style: chr3-129156006-C-A.
Other names: c.481G>T, p.Ala161Ser (NM_001276271.2, NM_001276272.2, NM_003925.3); c.247+645G>T (NM_001276273.2); short protein forms A161S.
Identifiers: ClinVar variation 4104616 (VCV004104616.1).